The following is an entry in ClinVar:

ClinVar aggregate classification (germline): Uncertain significance (1 of 4 stars; one submission).

Conditions:
Intellectual developmental disorder with poor growth and with or without seizures or ataxia. Identifiers: MedGen C5394135, MONDO:0032930, OMIM 618808.

gnomAD v4.1: 3 of 1,612,756 alleles (0.00019%); highest among the groups gnomAD compares: Non-Finnish European, 0.00017%; no homozygotes.

Submission:

Victorian Clinical Genetics Services, Murdoch Childrens Research Institute
Classification: Uncertain significance for Intellectual developmental disorder with poor growth and with or without seizures or ataxia. Last evaluated: 2025-11-26. Review status: criteria provided, single submitter. Criteria: ACMG Guidelines, 2015. Collection method: clinical testing. Allele origin: germline. Affected: yes.
Comment: This variant is classified as VUS-3A. Evidence in support of pathogenic classification: Variant is present in gnomAD <0.01 for a recessive condition (v4: 3 heterozygote(s), 0 homozygote(s)). - Missense variant predicted to be damaging by in silico tool(s) or highly conserved with a major amino acid change. Additional information: Variant is predicted to result in a missense amino acid change from Glu to Lys; This variant is homozygous; This gene is associated with autosomal recessive disease; This variant has no previous evidence of pathogenicity; No published evidence of segregation with disease has been identified for this variant; No published functional evidence has been identified for this variant; No comparable missense variants have previous evidence for pathogenicity; Variant is located in the annotated ABC transporter domain (DECIPHER); Loss of function is a known mechanism of disease in this gene and is associated with intellectual developmental disorder with poor growth and with or without seizures or ataxia (MIM#618808).

NM_001606.5(ABCA2):c.6634G>A (p.Glu2212Lys)

Gene: ABCA2 (ATP binding cassette subfamily A member 2; minus strand). Cytogenetic location: 9q34.3.
Variant type: single nucleotide variant.
Coding change: c.6634G>A on transcript NM_001606.5 (MANE Select); coding-DNA position 6634, G replaced by A.
Protein change: p.Glu2212Lys; replaces glutamic acid 2212 with lysine.
Molecular consequence: missense variant.
Genome position (GRCh38, 1-based): chr9:137,009,641, C>T on the plus strand (G>A on the coding strand, the complement: ABCA2 is on the minus strand). VCF-style: chr9-137009641-C-T. GRCh37 (hg19) VCF-style: chr9-139904093-C-T.
Other names: c.6631G>A, p.Glu2211Lys (NM_001411042.1); c.6724G>A, p.Glu2242Lys (NM_212533.3); short protein forms E2211K, E2212K, E2242K.
Identifiers: ClinVar variation 4819033 (VCV004819033.1).